The following is an entry in ClinVar:

NM_002439.5(MSH3):c.1381A>G (p.Ile461Val)

Gene: MSH3 (mutS homolog 3; plus strand). Cytogenetic location: 5q14.1.
Variant type: single nucleotide variant.
Coding change: c.1381A>G on transcript NM_002439.5 (MANE Select); coding-DNA position 1381, A replaced by G.
Protein change: p.Ile461Val; replaces isoleucine 461 with valine.
Molecular consequence: missense variant.
Genome position (GRCh38, 1-based): chr5:80,725,493, A>G. VCF-style: chr5-80725493-A-G. GRCh37 (hg19) VCF-style: chr5-80021312-A-G.
Other names: short protein forms I461V.
Identifiers: ClinVar variation 663858 (VCV000663858.16), dbSNP rs201589579, ClinGen allele CA3327893.

ClinVar aggregate classification (germline): Conflicting classifications of pathogenicity. Review status: criteria provided, conflicting classifications (1 of 4 stars). 6 submissions from 6 submitters: Uncertain significance (5); Likely benign (1). Last evaluated 2025-10-13.

Conditions:
MSH3-related disorder. Also called: MSH3-related condition.
Hereditary cancer-predisposing syndrome. Also called: Tumor predisposition; Hereditary neoplastic syndrome; Hereditary Cancer Syndrome; Neoplastic Syndromes, Hereditary. Identifiers: Orphanet 140162, MedGen C0027672, MeSH D009386, MONDO:0015356.

Allele frequency attached by ClinVar (database versions not stated): gnomAD exomes below 0.00001; ExAC 0.00001; gnomAD 0.00002 and 0.00003; TOPMed 0.00002; 1000 Genomes Project 30x 0.00016; 1000 Genomes Project 0.00020.
gnomAD v4.1: 5 of 1,613,968 alleles (0.00031%); highest among the groups gnomAD compares: African/African-American, 0.0053%; no homozygotes.

Submissions (6):

Labcorp Genetics (formerly Invitae), Labcorp
Classification: Uncertain significance. Last evaluated: 2025-10-13. Review status: criteria provided, single submitter. Criteria: Invitae Variant Classification Sherloc (09022015). Collection method: clinical testing. Allele origin: germline.
Comment: This sequence change replaces isoleucine, which is neutral and non-polar, with valine, which is neutral and non-polar, at codon 461 of the MSH3 protein (p.Ile461Val). This variant is present in population databases (rs201589579, gnomAD 0.007%). This variant has not been reported in the literature in individuals affected with MSH3-related conditions. ClinVar contains an entry for this variant (Variation ID: 663858). An algorithm developed to predict the effect of missense changes on protein structure and function outputs the following: PolyPhen-2: "Benign". The valine amino acid residue is found in multiple mammalian species, which suggests that this missense change does not adversely affect protein function. In summary, the available evidence is currently insufficient to determine the role of this variant in disease. Therefore, it has been classified as a Variant of Uncertain Significance.

PreventionGenetics, part of Exact Sciences
Classification: Uncertain significance for MSH3-related condition. Last evaluated: 2025-05-05. Review status: criteria provided, single submitter. Criteria: ACMG Guidelines, 2015. Collection method: clinical testing. Allele origin: germline.
Comment: The MSH3 c.1381A>G variant is predicted to result in the amino acid substitution p.Ile461Val. To our knowledge, this variant has not been reported in the literature. This variant is present in 1 of 251,290 alleles in gnomAD and is interpreted as uncertain by multiple clinical labs in ClinVar. At this time, the clinical significance of this variant is uncertain due to the absence of conclusive functional and genetic evidence.

GeneDx
Classification: Uncertain significance. Last evaluated: 2024-08-19. Review status: criteria provided, single submitter. Criteria: GeneDx Variant Classification Process June 2021. Collection method: clinical testing. Allele origin: germline. Affected: yes.
Comment: Not observed at significant frequency in large population cohorts (gnomAD); In silico analysis indicates that this missense variant does not alter protein structure/function; Has not been previously published as pathogenic or benign to our knowledge

Ambry Genetics
Classification: Likely benign for Hereditary cancer-predisposing syndrome. Last evaluated: 2024-03-26. Review status: criteria provided, single submitter. Criteria: Ambry Variant Classification Scheme 2023. Collection method: clinical testing. Allele origin: germline.

Sema4
Classification: Uncertain significance for Hereditary cancer-predisposing syndrome. Last evaluated: 2021-10-18. Review status: criteria provided, single submitter. Criteria: Sema4 Curation Guidelines. Collection method: curation. Allele origin: germline.
Comment: The MSH3 c.1381A>G (p.I461V) variant has not been reported in the literature to our knowledge. It was observed in 1/16254 chromosomes of the African/African American subpopulation in the large and broad cohorts of the Genome Aggregation Database (PMID: 32461654). The variant has been reported in ClinVar (Variation ID 663858). Functional studies have not been performed, and in silico predictions of the variant's effect on protein function are inconclusive. The evidence is insufficient to meet ACMG/AMP criteria for classifying the variant as benign or pathogenic. Thus, the clinical significance of this variant is currently uncertain.

Quest Diagnostics Nichols Institute San Juan Capistrano
Classification: Uncertain significance. Last evaluated: 2021-08-04. Review status: criteria provided, single submitter. Criteria: Quest Diagnostics criteria. Collection method: clinical testing. Allele origin: unknown.